The following is an entry in ClinVar:

NM_000238.4(KCNH2):c.1676_1682del (p.Leu559fs)

Gene: KCNH2 (potassium voltage-gated channel subfamily H member 2; minus strand). Cytogenetic location: 7q36.1.
Variant type: Deletion.
Coding change: c.1676_1682del on transcript NM_000238.4 (MANE Select); coding-DNA positions 1676 to 1682, 7 bases deleted (TCATCGC; older notation c.1676_1682delTCATCGC).
Protein change: p.Leu559fs; shifts the reading frame from leucine 559.
Molecular consequence: frameshift variant.
Genome position (GRCh38, 1-based): chr7:150,951,711-150,951,717, GCGATGA deleted on the plus strand (TCATCGC on the coding strand, the reverse complement: KCNH2 is on the minus strand); deleting any 7 consecutive bases within chr7:150,951,711-150,951,720 gives the same sequence; the c. name uses the placement nearest the transcript's 3' end. VCF-style (leftmost placement, unchanged base first): chr7-150951710-CGCGATGA-C. GRCh37 (hg19) VCF-style: chr7-150648798-CGCGATGA-C.
Other names: c.656_662del, p.Leu219fs (NM_001204798.2, NM_172057.3); c.1385_1391delCGCTCAT, p.Leu463Argfs (NM_001406753.1, NM_001406756.1); c.1496_1502delCGCTCAT, p.Leu500Argfs (NM_001406755.1); c.1373_1379delCGCTCAT, p.Leu459Argfs (NM_001406757.1); c.1673_1679delCGCTCAT, p.Leu559Argfs (NM_172056.3); short protein forms L219fs, L559fs.
Identifiers: ClinVar variation 2120904 (VCV002120904.4), dbSNP rs2486039022, ClinGen allele CA2580077802.

ClinVar aggregate classification (germline): Pathogenic (1 of 4 stars; one submission).

Conditions:
Long QT syndrome (LQTS). Identifiers: MedGen C0023976, MeSH D008133, MONDO:0002442. Disease mechanism: loss of function. Inheritance: Various modes of inheritance.

Submission:

Labcorp Genetics (formerly Invitae), Labcorp
Classification: Pathogenic for Long QT syndrome. Last evaluated: 2022-08-16. Review status: criteria provided, single submitter. Criteria: Invitae Variant Classification Sherloc (09022015). Collection method: clinical testing. Allele origin: germline.
Comment: For these reasons, this variant has been classified as Pathogenic. This variant has not been reported in the literature in individuals affected with KCNH2-related conditions. This variant is not present in population databases (gnomAD no frequency). This sequence change creates a premature translational stop signal (p.Leu559Argfs*4) in the KCNH2 gene. It is expected to result in an absent or disrupted protein product. Loss-of-function variants in KCNH2 are known to be pathogenic (PMID: 10973849, 19862833).

Literature cited by the submitters: PubMed 10973849; PubMed 19862833.